The following is an entry in ClinVar:

NM_001378454.1(ALMS1):c.148_149delinsAA (p.Ala50Lys)

Gene: ALMS1 (ALMS1 centrosome and basal body associated protein; plus strand). Cytogenetic location: 2p13.1.
Variant type: Indel.
Coding change: c.148_149delinsAA on transcript NM_001378454.1 (MANE Select); coding-DNA positions 148 to 149, GC replaced by AA.
Protein change: p.Ala50Lys; replaces alanine 50 with lysine.
Molecular consequence: missense variant.
Genome position (GRCh38, 1-based): chr2:73,386,016-73,386,017, GC replaced by AA. VCF-style: chr2-73386016-GC-AA. GRCh37 (hg19) VCF-style: chr2-73613144-GC-AA.
Other names: c.151_152delinsAA, p.Ala51Lys (NM_015120.4); short protein forms A51K, A50K.
Identifiers: ClinVar variation 1495056 (VCV001495056.3), dbSNP rs2104058681, ClinGen allele CA2573135741.

ClinVar aggregate classification (germline): Uncertain significance (1 of 4 stars; one submission).

Conditions:
Alstrom syndrome (ALMS). Identifiers: Orphanet 64, MedGen C0268425, MONDO:0008763, OMIM 203800.

Submission:

Labcorp Genetics (formerly Invitae), Labcorp
Classification: Uncertain significance for Alstrom syndrome. Last evaluated: 2022-03-22. Review status: criteria provided, single submitter. Criteria: Invitae Variant Classification Sherloc (09022015). Collection method: clinical testing. Allele origin: germline.
Comment: This sequence change replaces alanine, which is neutral and non-polar, with lysine, which is basic and polar, at codon 51 of the ALMS1 protein (p.Ala51Lys). Information on the frequency of this variant in the gnomAD database is not available, as this variant may be reported differently in the database. This variant has not been reported in the literature in individuals affected with ALMS1-related conditions. Experimental studies and prediction algorithms are not available or were not evaluated, and the functional significance of this variant is currently unknown. In summary, the available evidence is currently insufficient to determine the role of this variant in disease. Therefore, it has been classified as a Variant of Uncertain Significance.